The following is an entry in ClinVar:

NM_025137.4(SPG11):c.242A>G (p.Glu81Gly)

Gene: SPG11 (SPG11 vesicle trafficking associated, spatacsin; minus strand). Cytogenetic location: 15q21.1.
Variant type: single nucleotide variant.
Coding change: c.242A>G on transcript NM_025137.4 (MANE Select); coding-DNA position 242, A replaced by G.
Protein change: p.Glu81Gly; replaces glutamic acid 81 with glycine.
Molecular consequence: missense variant.
Genome position (GRCh38, 1-based): chr15:44,663,406, T>C on the plus strand (A>G on the coding strand, the complement: SPG11 is on the minus strand). VCF-style: chr15-44663406-T-C. GRCh37 (hg19) VCF-style: chr15-44955604-T-C.
Other names: c.242A>G, p.Glu81Gly (NM_001160227.2); short protein forms E81G.
Identifiers: ClinVar variation 534864 (VCV000534864.1), dbSNP rs1555383956, ClinGen allele CA392238509.

ClinVar aggregate classification (germline): Uncertain significance (1 of 4 stars; one submission).

Conditions:
Hereditary spastic paraplegia 11. Also called: Nakamura Osame syndrome; Autosomal recessive hereditary spastic paraplegia, mental impairment, and thin corpus callosum; Spastic paraplegia, mental retardation and thin corpus callosum; SPASTIC PARAPLEGIA, AUTOSOMAL RECESSIVE, COMPLICATED, WITH THIN CORPUS CALLOSUM; SPASTIC PARAPLEGIA, AUTOSOMAL RECESSIVE, WITH MENTAL IMPAIRMENT AND THIN CORPUS CALLOSUM; Spastic Paraplegia 11. Identifiers: Orphanet 2822, MedGen C1858479, MONDO:0011445, OMIM 604360.

Submission:

Labcorp Genetics (formerly Invitae), Labcorp
Classification: Uncertain significance for Hereditary spastic paraplegia 11. Last evaluated: 2017-11-19. Review status: criteria provided, single submitter. Criteria: Invitae Variant Classification Sherloc (09022015). Collection method: clinical testing. Allele origin: germline.
Comment: This sequence change replaces glutamic acid with glycine at codon 81 of the SPG11 protein (p.Glu81Gly). The glutamic acid residue is weakly conserved and there is a moderate physicochemical difference between glutamic acid and glycine. This variant is not present in population databases (ExAC no frequency). This variant has not been reported in the literature in individuals with SPG11-related disease. Algorithms developed to predict the effect of missense changes on protein structure and function output the following: SIFT: "Tolerated"; PolyPhen-2: "Benign"; Align-GVGD: "Class C0". The glycine amino acid residue is found in multiple mammalian species, suggesting that this missense change does not adversely affect protein function. These predictions have not been confirmed by published functional studies and their clinical significance is uncertain. In summary, the available evidence is currently insufficient to determine the role of this variant in disease. Therefore, it has been classified as a Variant of Uncertain Significance.